The following is an entry in ClinVar:

ClinVar aggregate classification (germline): Uncertain significance (1 of 4 stars; one submission).

Submission:

Labcorp Genetics (formerly Invitae), Labcorp
Classification: Uncertain significance. Last evaluated: 2022-04-18. Review status: criteria provided, single submitter. Criteria: Invitae Variant Classification Sherloc (09022015). Collection method: clinical testing. Allele origin: germline.
Comment: This variant is not present in population databases (gnomAD no frequency). This sequence change replaces serine, which is neutral and polar, with arginine, which is basic and polar, at codon 1182 of the APC2 protein (p.Ser1182Arg). This variant has not been reported in the literature in individuals affected with APC2-related conditions. In summary, the available evidence is currently insufficient to determine the role of this variant in disease. Therefore, it has been classified as a Variant of Uncertain Significance. Algorithms developed to predict the effect of missense changes on protein structure and function are either unavailable or do not agree on the potential impact of this missense change (SIFT: "Tolerated"; PolyPhen-2: "Probably Damaging"; Align-GVGD: "Class C0").

NM_005883.3(APC2):c.3546T>G (p.Ser1182Arg)

Gene: APC2 (APC regulator of Wnt signaling pathway 2; plus strand). Cytogenetic location: 19p13.3.
Variant type: single nucleotide variant.
Coding change: c.3546T>G on transcript NM_005883.3 (MANE Select); coding-DNA position 3546, T replaced by G.
Protein change: p.Ser1182Arg; replaces serine 1182 with arginine.
Molecular consequence: missense variant.
Genome position (GRCh38, 1-based): chr19:1,466,847, T>G. VCF-style: chr19-1466847-T-G. GRCh37 (hg19) VCF-style: chr19-1466846-T-G.
Other names: c.3543T>G, p.Ser1181Arg (NM_001351273.1); short protein forms S1181R, S1182R.
Identifiers: ClinVar variation 2127846 (VCV002127846.4), dbSNP rs1360382902, ClinGen allele CA403030867.